The following is an entry in ClinVar:

ClinVar aggregate classification (germline): Conflicting classifications of pathogenicity. Review status: criteria provided, conflicting classifications (1 of 4 stars). 4 submissions from 4 submitters: Uncertain significance (2); Likely benign (1). 1 of the submissions does not count toward it. Last evaluated 2024-09-10.

Conditions:
TTN-related disorder. Also called: TTN-related disorders; TTN-related condition; TTN-related disease.
Early-onset myopathy with fatal cardiomyopathy (CMYO5). Also called: Salih Myopathy; CONGENITAL MYOPATHY 5 WITH CARDIOMYOPATHY. Identifiers: Orphanet 289377, MedGen C2673677, MONDO:0012714, OMIM 611705. Disease mechanism: loss of function.
Autosomal recessive limb-girdle muscular dystrophy type 2J (LGMDR10). Also called: Limb-girdle muscular dystrophy, type 2J; MUSCULAR DYSTROPHY, LIMB-GIRDLE, AUTOSOMAL RECESSIVE 10. Identifiers: Orphanet 140922, MedGen C1837342, MONDO:0012127, OMIM 608807.
Tibial muscular dystrophy (TMD). Also called: Tibial muscular dystrophy, tardive; Udd Distal Myopathy – Tibial Muscular Dystrophy; UDD MYOPATHY. Identifiers: Orphanet 609, MedGen C1838244, MONDO:0010870, OMIM 600334.
Hypertrophic cardiomyopathy 9. Also called: Familial hypertrophic cardiomyopathy 9. Identifiers: MedGen C1861065, MONDO:0013412, OMIM 613765.
Dilated cardiomyopathy 1G (CMD1G). Identifiers: Orphanet 154, MedGen C1858763, MONDO:0011400, OMIM 604145.
Myopathy, myofibrillar, 9, with early respiratory failure (MFM9). Also called: Hereditary myopathy with early respiratory failure; MYOPATHY, PROXIMAL, WITH EARLY RESPIRATORY MUSCLE INVOLVEMENT; Myopathy, distal, with early respiratory failure, autosomal dominant; EDSTROM MYOPATHY. Identifiers: Orphanet 178464, Orphanet 34521, MedGen C1863599, MONDO:0011362, OMIM 603689.

Allele frequency attached by ClinVar (database versions not stated): gnomAD 0.00005; TOPMed 0.00006; ExAC 0.00007; ESP Exome Variant Server 0.00008; gnomAD exomes 0.00008.
gnomAD v4.1: 132 of 1,613,128 alleles (0.0082%); highest among the groups gnomAD compares: Admixed American, 0.027%; no homozygotes.

Submissions (4):

Blueprint Genetics
Classification: Likely benign. Last evaluated: 2024-09-10. Review status: criteria provided, single submitter. Criteria: ACMG Guidelines, 2015. Collection method: clinical testing. Allele origin: germline.

Fulgent Genetics
Classification: Uncertain significance for Tibial muscular dystrophy; Myopathy, myofibrillar, 9, with early respiratory failure; Dilated cardiomyopathy 1G; Autosomal recessive limb-girdle muscular dystrophy type 2J; Early-onset myopathy with fatal cardiomyopathy; Hypertrophic cardiomyopathy 9. Last evaluated: 2021-10-25. Review status: criteria provided, single submitter. Criteria: ACMG Guidelines, 2015. Collection method: clinical testing. Allele origin: unknown.

Laboratory for Molecular Medicine, Mass General Brigham Personalized Medicine
Classification: Uncertain significance. Last evaluated: 2015-05-18. Review status: criteria provided, single submitter. Criteria: LMM Criteria. Collection method: clinical testing. Allele origin: germline. Observed: 1 variant allele.
Comment: The p.Ala3613Thr variant in TTN has not been previously reported in individuals with cardiomyopathy, but has been identified in 7/66652 European chromosomes by the Exome Aggregation Consortium (ExAC; dbSNP rs 144967245). Computational prediction tools and conservation analysis are limited or unavailable for this variant. In summary, the clinical significance of the p .Ala3613Thr variant is uncertain.

PreventionGenetics, part of Exact Sciences
Classification: Uncertain significance for TTN-related condition. Last evaluated: 2024-05-09. Review status: no assertion criteria provided. Collection method: clinical testing. Allele origin: germline. Not counted in ClinVar's aggregate classification.
Comment: The TTN c.10837G>A variant is predicted to result in the amino acid substitution p.Ala3613Thr. To our knowledge, this variant has not been reported in the literature. This variant is reported in 0.028% of alleles in individuals of Latino descent in gnomAD. At this time, the clinical significance of this variant is uncertain due to the absence of conclusive functional and genetic evidence.

NM_133379.5(TTN):c.10837G>A (p.Ala3613Thr)

Gene: TTN (titin; minus strand). Cytogenetic location: 2q31.2.
Variant type: single nucleotide variant.
Coding change: c.10837G>A on transcript NM_133379.5; coding-DNA position 10837, G replaced by A.
Protein change: p.Ala3613Thr; replaces alanine 3613 with threonine.
Molecular consequence: missense variant. On other transcripts: intron variant (6).
Genome position (GRCh38, 1-based): chr2:178,751,563, C>T on the plus strand (G>A on the coding strand, the complement: TTN is on the minus strand). VCF-style: chr2-178751563-C-T. GRCh37 (hg19) VCF-style: chr2-179616290-C-T.
Other names: c.10222+1561G>A (NM_003319.4); c.10798+1561G>A (NM_133437.4); c.10597+1561G>A (NM_133432.3); c.10360+1561G>A (NM_133378.4, NM_001256850.1); c.11311+1561G>A (NM_001267550.2); c.10837G>A (NM_133379.4); short protein forms A3613T.
Identifiers: ClinVar variation 229577 (VCV000229577.8), dbSNP rs144967245, ClinGen allele CA2003838.